The following is an entry in ClinVar:

NM_001734.5(C1S):c.1238T>G (p.Val413Gly)

Gene: C1S (complement C1s; plus strand). Cytogenetic location: 12p13.31.
Variant type: single nucleotide variant.
Coding change: c.1238T>G on transcript NM_001734.5 (MANE Select); coding-DNA position 1238, T replaced by G.
Protein change: p.Val413Gly; replaces valine 413 with glycine.
Molecular consequence: missense variant.
Genome position (GRCh38, 1-based): chr12:7,068,498, T>G. VCF-style: chr12-7068498-T-G. GRCh37 (hg19) VCF-style: chr12-7175802-T-G.
Other names: c.737T>G, p.Val246Gly (NM_001346850.2); c.1238T>G, p.Val413Gly (NM_201442.4); short protein forms V246G, V413G.
Identifiers: ClinVar variation 2886211 (VCV002886211.3), dbSNP rs1555162675, ClinGen allele CA383702244.
Genomic context (GRCh38, chr12:7,068,498, plus strand): 5'-TTCTCTGTGCTATTCCAGGGGAGTATCACTGTGCTGGTAACGGGAGCTGGGTGAATGAGG[T>G]GCTGGGCCCGGAGCTGCCGAAATGTGTTCCAGGTAAGGAGGGCTGAGGCTTGGGGAGAGA-3'
Protein context (NP_001725.1, residues 403-423): CAGNGSWVNE[Val413Gly]LGPELPKCVP

ClinVar aggregate classification (germline): Uncertain significance (1 of 4 stars; one submission).

Allele frequency attached by ClinVar (database versions not stated): gnomAD 0.00001.
gnomAD v4.1: 1 of 1,613,718 alleles (0.000062%); highest among the groups gnomAD compares: Non-Finnish European, 0.000085%; no homozygotes.

Submission:

Labcorp Genetics (formerly Invitae), Labcorp
Classification: Uncertain significance. Last evaluated: 2025-11-11. Review status: criteria provided, single submitter. Criteria: Invitae Variant Classification Sherloc (09022015). Collection method: clinical testing. Allele origin: germline.
Comment: This sequence change replaces valine, which is neutral and non-polar, with glycine, which is neutral and non-polar, at codon 413 of the C1S protein (p.Val413Gly). This variant is present in population databases (no rsID available, gnomAD 0.007%). This variant has not been reported in the literature in individuals affected with C1S-related conditions. ClinVar contains an entry for this variant (Variation ID: 2886211). An algorithm developed to predict the effect of missense changes on protein structure and function (PolyPhen-2) suggests that this variant is likely to be tolerated. In summary, the available evidence is currently insufficient to determine the role of this variant in disease. Therefore, it has been classified as a Variant of Uncertain Significance.